The following is an entry in ClinVar:

ClinVar aggregate classification (germline): Uncertain significance (1 of 4 stars; one submission).

gnomAD v4.1: 4 of 1,602,558 alleles (0.00025%); highest among the groups gnomAD compares: Non-Finnish European, 0.00034%; no homozygotes.

Submission:

Labcorp Genetics (formerly Invitae), Labcorp
Classification: Uncertain significance. Last evaluated: 2025-09-20. Review status: criteria provided, single submitter. Criteria: Invitae Variant Classification Sherloc (09022015). Collection method: clinical testing. Allele origin: germline.
Comment: This sequence change replaces cysteine, which is neutral and slightly polar, with arginine, which is basic and polar, at codon 64 of the RASA2 protein (p.Cys64Arg). This variant is present in population databases (no rsID available, gnomAD 0.0009%). This variant has not been reported in the literature in individuals affected with RASA2-related conditions. Invitae Evidence Modeling of protein sequence and biophysical properties (such as structural, functional, and spatial information, amino acid conservation, physicochemical variation, residue mobility, and thermodynamic stability) indicates that this missense variant is expected to disrupt RASA2 protein function with a positive predictive value of 80%. In summary, the available evidence is currently insufficient to determine the role of this variant in disease. Therefore, it has been classified as a Variant of Uncertain Significance.

NM_006506.5(RASA2):c.190T>C (p.Cys64Arg)

Gene: RASA2 (RAS p21 protein activator 2; plus strand). Cytogenetic location: 3q23.
Variant type: single nucleotide variant.
Coding change: c.190T>C on transcript NM_006506.5 (MANE Select); coding-DNA position 190, T replaced by C.
Protein change: p.Cys64Arg; replaces cysteine 64 with arginine.
Molecular consequence: missense variant.
Genome position (GRCh38, 1-based): chr3:141,512,219, T>C. VCF-style: chr3-141512219-T-C. GRCh37 (hg19) VCF-style: chr3-141231061-T-C.
Other names: c.190T>C, p.Cys64Arg (NM_001303245.3, NM_001303246.3); short protein forms C64R.
Identifiers: ClinVar variation 4695465 (VCV004695465.1).